The following is an entry in ClinVar:

ClinVar aggregate classification (germline): Pathogenic (1 of 4 stars; one submission).

Conditions:
Inborn genetic diseases. Identifiers: MedGen C0950123, MeSH D030342.

Submission:

Ambry Genetics
Classification: Pathogenic for Inborn genetic diseases. Last evaluated: 2023-04-25. Review status: criteria provided, single submitter. Criteria: Ambry Variant Classification Scheme 2023. Collection method: clinical testing. Allele origin: germline.
Comment: The c.6312_6318dupCACAGAT (p.E2107Hfs*3) alteration, located in exon 15 (coding exon 15) of the PKD1 gene, consists of a duplication of CACAGAT at position 6312, causing a translational frameshift with a predicted alternate stop codon after 3 amino acids. This alteration is expected to result in loss of function by premature protein truncation or nonsense-mediated mRNA decay. This variant was not reported in population-based cohorts in the Genome Aggregation Database (gnomAD). Based on the available evidence, this alteration is classified as pathogenic.

NM_001009944.3(PKD1):c.6312_6318dup (p.Glu2107delinsHisArgTer)

Gene: PKD1 (polycystin 1, transient receptor potential channel interacting; minus strand). Cytogenetic location: 16p13.3.
Variant type: Duplication.
Coding change: c.6312_6318dup on transcript NM_001009944.3 (MANE Select); coding-DNA positions 6312 to 6318, 7 bases duplicated (CACAGAT; older notation c.6312_6318dupCACAGAT).
Protein change: p.Glu2107delinsHisArgTer.
Molecular consequence: nonsense.
Genome position (GRCh38, 1-based): chr16:2,108,849-2,108,855, ATCTGTG duplicated on the plus strand (CACAGAT on the coding strand, the reverse complement: PKD1 is on the minus strand). VCF-style (leftmost placement, unchanged base first): chr16-2108848-C-CATCTGTG. GRCh37 (hg19) VCF-style: chr16-2158849-C-CATCTGTG.
Other names: c.6312_6318dup, p.Glu2107delinsHisArgTer (NM_000296.4).
Identifiers: ClinVar variation 2533771 (VCV002533771.2), dbSNP rs2544803846, ClinGen allele CA2580613384.
Genomic context (GRCh38, chr16:2,108,848, plus strand): 5'-AGGCGTTCACCTGCACGCGGTAGTCCCCAGGCCTCAGGTAGGAGTGCTCGGCCCTGGGCT[C>CATCTGTG]ATCTGTGTCCTGCCCTGGCGACCCATCCCCAAAGTCCCAGTGGTAGGCCACACGCCGGGG-3'